The following is an entry in ClinVar:

ClinVar aggregate classification (germline): Uncertain significance (1 of 4 stars; one submission).

Conditions:
Marfan syndrome (MFS). Also called: MARFAN SYNDROME, TYPE I; Marfan syndrome type 1; Marfan's syndrome; Marfan syndrome, classic; FBN1-Related Marfan Syndrome. Identifiers: Orphanet 284963, Orphanet 558, MedGen C0024796, MONDO:0007947, OMIM 154700.
Familial thoracic aortic aneurysm and aortic dissection (TAAD). Also called: Thoracic aortic aneurysms and dissections. Identifiers: Orphanet 91387, MedGen C4707243, MONDO:0019625.

Submission:

Labcorp Genetics (formerly Invitae), Labcorp
Classification: Uncertain significance for Marfan syndrome; Familial thoracic aortic aneurysm and aortic dissection. Last evaluated: 2024-11-07. Review status: criteria provided, single submitter. Criteria: Invitae Variant Classification Sherloc (09022015). Collection method: clinical testing. Allele origin: germline.
Comment: This sequence change falls in intron 55 of the FBN1 gene. It does not directly change the encoded amino acid sequence of the FBN1 protein. This variant is not present in population databases (gnomAD no frequency). This variant has not been reported in the literature in individuals affected with FBN1-related conditions. Experimental studies and prediction algorithms are not available or were not evaluated, and the effect of this variant on mRNA splicing is currently unknown. In summary, the available evidence is currently insufficient to determine the role of this variant in disease. Therefore, it has been classified as a Variant of Uncertain Significance.

NM_000138.5(FBN1):c.6740-21_6740-18delinsTTTTGTCATTTTTTGTACATTTTTGTCATTTT

Gene: FBN1 (fibrillin 1; minus strand). Cytogenetic location: 15q21.1.
Variant type: Indel.
Coding change: c.6740-21_6740-18delinsTTTTGTCATTTTTTGTACATTTTTGTCATTTT on transcript NM_000138.5 (MANE Select); 21 bases into the intron before coding-DNA position 6740 through 18 bases into the intron before coding-DNA position 6740, the reference bases replaced by an inserted sequence.
Molecular consequence: intron variant.
Genome position (GRCh38, 1-based): chr15:48,430,820-48,430,823, 4 bases replaced. GRCh37 (hg19): chr15:48,723,017-48,723,020.
Other names: c.6740-21_6740-18delinsTTTTGTCATTTTTTGTACATTTTTGTCATTTT (NM_001406716.1).
Identifiers: ClinVar variation 2948602 (VCV002948602.3), dbSNP rs2505420395, ClinGen allele CA2740096573.
Genomic context (GRCh38, chr15:48,430,820, plus strand): 5'-TTTTCAGTACAGTCATGTTTTCCCTCTTCACACTCATCCTCATCTGTAAAAAATGTACAA[TCAC>AAAATGACAAAAATGTACAAAAAATGACAAAA]AAATTTGTCAAAGAAAATGCATATATCTGCCTTAATTACCTGACTTTTAAACATAAAATG-3'